The following is an entry in ClinVar:

NM_024422.6(DSC2):c.275G>A (p.Arg92Lys)

Gene: DSC2 (desmocollin 2; minus strand). Cytogenetic location: 18q12.1.
Variant type: single nucleotide variant.
Coding change: c.275G>A on transcript NM_024422.6 (MANE Select); coding-DNA position 275, G replaced by A.
Protein change: p.Arg92Lys; replaces arginine 92 with lysine.
Molecular consequence: missense variant. On other transcripts: 5 prime UTR variant (2).
Genome position (GRCh38, 1-based): chr18:31,092,180, C>T on the plus strand (G>A on the coding strand, the complement: DSC2 is on the minus strand). VCF-style: chr18-31092180-C-T. GRCh37 (hg19) VCF-style: chr18-28672143-C-T.
Other names: c.-155G>A (NM_001406506.1, NM_001406507.1); c.275G>A, p.Arg92Lys (NM_004949.5); c.275G>A (NM_024422.3); short protein forms R92K.
Identifiers: ClinVar variation 3070864 (VCV003070864.3), dbSNP rs894057474, ClinGen allele CA297644385.
Genomic context (GRCh38, chr18:31,092,180, plus strand): 5'-AAGACAAATATTTTCTTCTTTTCTTGGTTCTCAGTGTTGGAAAGTAATATGGTAAAACTT[C>T]TCTTCTCCGAGGACAATAGAATAGTATTTGTTGTATAGACTGAACCATCCTCCAAAATTT-3'
Protein context (NP_077740.1, residues 82-102): TNTILLSSEK[Arg92Lys]SFTILLSNTE

ClinVar aggregate classification (germline): Uncertain significance. Review status: criteria provided, multiple submitters, no conflicts (2 of 4 stars). 3 submissions from 3 submitters: Uncertain significance (3). Last evaluated 2025-06-09.

Conditions:
Cardiovascular phenotype. Identifiers: MedGen CN230736.
Cardiomyopathy (CMYO). Also called: Cardiomyopathies. Identifiers: Orphanet 167848, MedGen C0878544, MONDO:0004994, HP:0001638. Inheritance: Various modes of inheritance.
Familial isolated arrhythmogenic right ventricular dysplasia. Identifiers: Orphanet 217656, MedGen C4274968, MONDO:0016342.

Allele frequency attached by ClinVar (database versions not stated): gnomAD 0.00001; TOPMed below 0.00001.
gnomAD v4.1: 3 of 1,613,532 alleles (0.00019%); highest among the groups gnomAD compares: Non-Finnish European, 0.00025%; no homozygotes.

Submissions (3):

Color Diagnostics, LLC DBA Color Health
Classification: Uncertain significance for Cardiomyopathy. Last evaluated: 2025-06-09. Review status: criteria provided, single submitter. Criteria: ACMG Guidelines, 2015. Collection method: clinical testing. Allele origin: germline.
Comment: This missense variant replaces arginine with lysine at codon 92 of the DSC2 protein. Computational prediction suggests that this variant may not impact protein structure and function. To our knowledge, functional studies have not been reported for this variant. This variant has not been reported in individuals affected with DSC2-related disorders in the literature. This variant has not been identified in the general population by the Genome Aggregation Database (gnomAD). The available evidence is insufficient to determine the role of this variant in disease conclusively. Therefore, this variant is classified as a Variant of Uncertain Significance.

Ambry Genetics
Classification: Uncertain significance for Cardiovascular phenotype. Last evaluated: 2025-05-15. Review status: criteria provided, single submitter. Criteria: Ambry Variant Classification Scheme 2023. Collection method: clinical testing. Allele origin: germline.
Comment: The p.R92K variant (also known as c.275G>A), located in coding exon 3 of the DSC2 gene, results from a G to A substitution at nucleotide position 275. The arginine at codon 92 is replaced by lysine, an amino acid with highly similar properties. This amino acid position is conserved. In addition, this alteration is predicted to be tolerated by in silico analysis. Based on the available evidence, the clinical significance of this variant remains unclear.

All of Us Research Program, National Institutes of Health
Classification: Uncertain significance for Familial isolated arrhythmogenic right ventricular dysplasia. Last evaluated: 2023-05-04. Review status: criteria provided, single submitter. Criteria: ACMG Guidelines, 2015. Collection method: clinical testing. Allele origin: germline. Inheritance: Autosomal dominant inheritance. Observed: 1 variant allele, 1 heterozygote.
Comment: This missense variant replaces arginine with lysine at codon 92 of the DSC2 protein. Computational prediction suggests that this variant may not impact protein structure and function (internally defined REVEL score threshold <= 0.5, PMID: 27666373). To our knowledge, functional studies have not been reported for this variant. This variant has not been reported in individuals affected with DSC2-related disorders in the literature. This variant has not been identified in the general population by the Genome Aggregation Database (gnomAD). The available evidence is insufficient to determine the role of this variant in disease conclusively. Therefore, this variant is classified as a Variant of Uncertain Significance.

This study involves interpretation of variants in research participants for the purpose of population health screening. Participant phenotype was not available at the time of variant classification. Additional details can be found in publication PMID: 35346344, PMCID: PMC8962531